The following is an entry in ClinVar:

NM_015046.7(SETX):c.5533C>T (p.Arg1845Cys)

Gene: SETX (senataxin; minus strand). Cytogenetic location: 9q34.13.
Variant type: single nucleotide variant.
Coding change: c.5533C>T on transcript NM_015046.7 (MANE Select); coding-DNA position 5533, C replaced by T.
Protein change: p.Arg1845Cys; replaces arginine 1845 with cysteine.
Molecular consequence: missense variant.
Genome position (GRCh38, 1-based): chr9:132,300,645, G>A on the plus strand (C>T on the coding strand, the complement: SETX is on the minus strand). VCF-style: chr9-132300645-G-A. GRCh37 (hg19) VCF-style: chr9-135176032-G-A.
Other names: c.5533C>T, p.Arg1845Cys (NM_001351527.2, NM_001351528.2); short protein forms R1845C.
Identifiers: ClinVar variation 3376558 (VCV003376558.1).

ClinVar aggregate classification (germline): Uncertain significance (1 of 4 stars; one submission).

Conditions:
Amyotrophic lateral sclerosis type 4 (ALS4). Also called: NEURONOPATHY, DISTAL HEREDITARY MOTOR, WITH PYRAMIDAL FEATURES; AMYOTROPHIC LATERAL SCLEROSIS 4, JUVENILE. Identifiers: Orphanet 357043, MedGen C1865409, MONDO:0011223, OMIM 602433.

gnomAD v4.1: 5 of 1,613,514 alleles (0.00031%); highest among the groups gnomAD compares: South Asian, 0.0011%; no homozygotes.

Submission:

Victorian Clinical Genetics Services, Murdoch Childrens Research Institute
Classification: Uncertain significance for Amyotrophic lateral sclerosis type 4. Last evaluated: 2021-05-06. Review status: criteria provided, single submitter. Criteria: ACMG Guidelines, 2015. Collection method: clinical testing. Allele origin: germline. Affected: yes.
Comment: Based on the classification scheme VCGS_Germline_v1.3.4, this variant is classified as VUS-3B. Following criteria are met: 0102 - Loss of function is a known mechanism of disease in this gene and is associated with spinocerebellar ataxia with axonal neuropathy 2 (MIM#606002). The mechanism for juvenile amyotrophic lateral sclerosis 4 (MIM#602433) has not been established, but both gain of function and dominant negative mechanisms have been speculated. Missense variants have been reported in patients with both conditions (OMIM, PMID: 23129421, PMID: 16644229, PMID: 30052327). (I) 0108 - This gene is associated with both recessive and dominant disease. Spinocerebellar ataxia with axonal neuropathy 2 (MIM#606002) has been associated to recessive disease, while juvenile amyotrophic lateral sclerosis 4 (MIM#602433) is dominant. (I) 0200 - Variant is predicted to result in a missense amino acid change from arginine to cysteine. (I) 0251 - This variant is heterozygous. (I) 0302 - Variant is present in gnomAD (v3) <0.001 (1 heterozygote, 0 homozygotes). (SP) 0309 - An alternative amino acid change at the same position has been observed in gnomAD (v2) (3 heterozygotes, 0 homozygotes). (I) 0502 - Missense variant with conflicting in silico predictions and uninformative conservation. (I) 0604 - Variant is not located in an established domain, motif, hotspot or informative constraint region. (I) 0710 - Another missense variant comparable to the one identified in this case have inconclusive previous evidence for pathogenicity. The variant (p.Arg1845His) has been reported as a VUS (LOVD). (I) 0807 - This variant has no previous evidence of pathogenicity. (I) 0905 - No published segregation evidence has been identified for this variant. (I) 1007 - No published functional evidence has been identified for this variant. (I) 1208 - Inheritance information for this variant is not currently available in this individual. (I) Legend: (SP) - Supporting pathogenic, (I) - Information, (SB) - Supporting benign

Literature cited by the submitters: PubMed 16644229; PubMed 23129421; PubMed 30052327.